The following is an entry in ClinVar:

NM_001142800.2(EYS):c.6725+1G>A

Gene: EYS (EGF-like photoreceptor maintenance factor; minus strand). Cytogenetic location: 6q12.
Variant type: single nucleotide variant.
Coding change: c.6725+1G>A on transcript NM_001142800.2 (MANE Select); the canonical splice donor site of the intron after coding-DNA position 6725, G replaced by A.
Molecular consequence: splice donor variant.
Genome position (GRCh38, 1-based): chr6:64,066,337, C>T on the plus strand (G>A on the coding strand, the complement: EYS is on the minus strand). VCF-style: chr6-64066337-C-T. GRCh37 (hg19) VCF-style: chr6-64776230-C-T.
Other names: c.6725+1G>A (NM_001142800.1, NM_001292009.2).
Identifiers: ClinVar variation 1068376 (VCV001068376.10), dbSNP rs779055763, ClinGen allele CA364389375.

ClinVar aggregate classification (germline): Pathogenic. Review status: criteria provided, multiple submitters, no conflicts (2 of 4 stars). 2 submissions from 2 submitters: Pathogenic (2). Last evaluated 2024-09-17.

Conditions:
Retinitis pigmentosa 25 (RP25). Identifiers: Orphanet 791, MedGen C1864446, MONDO:0011272, OMIM 602772.

gnomAD v4.1: 3 of 1,548,660 alleles (0.00019%); highest among the groups gnomAD compares: Non-Finnish European, 0.00026%; no homozygotes.

Submissions (2):

Natera, Inc.
Classification: Pathogenic for Retinitis pigmentosa type 25. Last evaluated: 2024-09-17. Review status: criteria provided, single submitter. Criteria: Natera Variant Classification Schema (03/2026). Collection method: clinical testing. Allele origin: germline.
Comment: The c.6725+1G>A variant in EYS is a canonical splice donor site variant predicted to affect pre-mRNA splicing, which may result in an abnormal transcript and altered protein product. This variant is expected to result in nonsense mediated decay, truncation, or a dysfunctional protein product. This variant is rare in the general population with a frequency below the threshold expected for the associated phenotype(s). This variant has been observed in one or more individuals affected with the associated recessive disease, as either homozygous or compound heterozygous with a second variant (PMID: 29159838). Given the available evidence, this variant is classified as Pathogenic.

Labcorp Genetics (formerly Invitae), Labcorp
Classification: Pathogenic. Last evaluated: 2023-11-27. Review status: criteria provided, single submitter. Criteria: Invitae Variant Classification Sherloc (09022015). Collection method: clinical testing. Allele origin: germline.
Comment: This sequence change affects a donor splice site in intron 33 of the EYS gene. It is expected to disrupt RNA splicing. Variants that disrupt the donor or acceptor splice site typically lead to a loss of protein function (PMID: 16199547), and loss-of-function variants in EYS are known to be pathogenic (PMID: 18836446, 20333770). This variant is not present in population databases (gnomAD no frequency). Disruption of this splice site has been observed in individuals with retinitis pigmentosa (PMID: 29159838, 33851411). ClinVar contains an entry for this variant (Variation ID: 1068376). Algorithms developed to predict the effect of sequence changes on RNA splicing suggest that this variant may disrupt the consensus splice site. For these reasons, this variant has been classified as Pathogenic.

Literature cited by the submitters: PubMed 29159838 (cited by Natera, Inc. and Labcorp Genetics (formerly Invitae), Labcorp); PubMed 16199547 (cited by Labcorp Genetics (formerly Invitae), Labcorp); PubMed 18836446 (cited by Labcorp Genetics (formerly Invitae), Labcorp); PubMed 20333770 (cited by Labcorp Genetics (formerly Invitae), Labcorp); PubMed 33851411 (cited by Labcorp Genetics (formerly Invitae), Labcorp).